The following is an entry in ClinVar:

NM_001242896.3(DEPDC5):c.930C>G (p.Ile310Met)

Gene: DEPDC5 (DEP domain containing 5, GATOR1 subcomplex subunit; plus strand). Cytogenetic location: 22q12.2.
Variant type: single nucleotide variant.
Coding change: c.930C>G on transcript NM_001242896.3 (MANE Select); coding-DNA position 930, C replaced by G.
Protein change: p.Ile310Met; replaces isoleucine 310 with methionine.
Molecular consequence: missense variant. On other transcripts: non-coding transcript variant (5).
Genome position (GRCh38, 1-based): chr22:31,798,640, C>G. VCF-style: chr22-31798640-C-G. GRCh37 (hg19) VCF-style: chr22-32194626-C-G.
Other names: c.930C>G, p.Ile310Met (NM_001007188.4, NM_001136029.4, NM_001242897.2 and 7 more transcripts); c.846C>G, p.Ile282Met (NM_001369901.1, NM_001369902.1); short protein forms I310M, I282M.
Identifiers: ClinVar variation 2964269 (VCV002964269.3), dbSNP rs1037232699, ClinGen allele CA323351456.

ClinVar aggregate classification (germline): Uncertain significance (1 of 4 stars; one submission).

Conditions:
Familial focal epilepsy with variable foci (FPEVF). Identifiers: Orphanet 98820, MedGen C1858477, MONDO:0020310.

Allele frequency attached by ClinVar (database versions not stated): gnomAD exomes 0.00001.
gnomAD v4.1: 14 of 1,611,596 alleles (0.00087%); highest among the groups gnomAD compares: Non-Finnish European, 0.0011%; no homozygotes.

Submission:

Labcorp Genetics (formerly Invitae), Labcorp
Classification: Uncertain significance for Familial focal epilepsy with variable foci. Last evaluated: 2023-08-10. Review status: criteria provided, single submitter. Criteria: Invitae Variant Classification Sherloc (09022015). Collection method: clinical testing. Allele origin: germline.
Comment: In summary, the available evidence is currently insufficient to determine the role of this variant in disease. Therefore, it has been classified as a Variant of Uncertain Significance. Experimental studies and prediction algorithms are not available or were not evaluated, and the functional significance of this variant is currently unknown. This variant has not been reported in the literature in individuals affected with DEPDC5-related conditions. This variant is present in population databases (no rsID available, gnomAD 0.0009%). This sequence change replaces isoleucine, which is neutral and non-polar, with methionine, which is neutral and non-polar, at codon 310 of the DEPDC5 protein (p.Ile310Met).